The following is an entry in ClinVar:

ClinVar aggregate classification (germline): Uncertain significance (1 of 4 stars; one submission).

Submission:

Labcorp Genetics (formerly Invitae), Labcorp
Classification: Uncertain significance. Last evaluated: 2022-08-24. Review status: criteria provided, single submitter. Criteria: Invitae Variant Classification Sherloc (09022015). Collection method: clinical testing. Allele origin: germline.
Comment: This sequence change replaces phenylalanine, which is neutral and non-polar, with serine, which is neutral and polar, at codon 990 of the POLE protein (p.Phe990Ser). This variant is not present in population databases (gnomAD no frequency). This variant has not been reported in the literature in individuals affected with POLE-related conditions. Algorithms developed to predict the effect of missense changes on protein structure and function (SIFT, PolyPhen-2, Align-GVGD) all suggest that this variant is likely to be disruptive. In summary, the available evidence is currently insufficient to determine the role of this variant in disease. Therefore, it has been classified as a Variant of Uncertain Significance.

NM_006231.4(POLE):c.2969T>C (p.Phe990Ser)

Gene: POLE (DNA polymerase epsilon, catalytic subunit; minus strand). Cytogenetic location: 12q24.33.
Variant type: single nucleotide variant.
Coding change: c.2969T>C on transcript NM_006231.4 (MANE Select); coding-DNA position 2969, T replaced by C.
Protein change: p.Phe990Ser; replaces phenylalanine 990 with serine.
Molecular consequence: missense variant.
Genome position (GRCh38, 1-based): chr12:132,661,060, A>G on the plus strand (T>C on the coding strand, the complement: POLE is on the minus strand). VCF-style: chr12-132661060-A-G. GRCh37 (hg19) VCF-style: chr12-133237646-A-G.
Other names: short protein forms F990S.
Identifiers: ClinVar variation 1717957 (VCV001717957.5), dbSNP rs2138690507, ClinGen allele CA387392452.
Genomic context (GRCh38, chr12:132,661,060, plus strand): 5'-GCCACCTTGGCTACAGAGCCATACACCTCTTCCAGCGTGCTGCCCTTGAGGAAGGCCTCA[A>G]ACACCGAGGATTGGAAGATCTTAATCAGCTGCAGTTCCCCGCGGCGTTTGACCTCAAAGC-3'
Protein context (NP_006222.2, residues 980-1000): QLIKIFQSSV[Phe990Ser]EAFLKGSTLE